The following is an entry in ClinVar:

NM_006015.6(ARID1A):c.272G>A (p.Gly91Asp)

Gene: ARID1A (AT-rich interaction domain 1A; plus strand). Cytogenetic location: 1p36.11.
Variant type: single nucleotide variant.
Coding change: c.272G>A on transcript NM_006015.6 (MANE Select); coding-DNA position 272, G replaced by A.
Protein change: p.Gly91Asp; replaces glycine 91 with aspartic acid.
Molecular consequence: missense variant.
Genome position (GRCh38, 1-based): chr1:26,696,675, G>A. VCF-style: chr1-26696675-G-A. GRCh37 (hg19) VCF-style: chr1-27023166-G-A.
Other names: c.272G>A, p.Gly91Asp (NM_139135.4); short protein forms G91D.
Identifiers: ClinVar variation 3368168 (VCV003368168.1).

ClinVar aggregate classification (germline): Uncertain significance (1 of 4 stars; one submission).

Submission:

GeneDx
Classification: Uncertain significance. Last evaluated: 2024-01-23. Review status: criteria provided, single submitter. Criteria: GeneDx Variant Classification Process June 2021. Collection method: clinical testing. Allele origin: germline. Affected: yes.
Comment: Not observed at significant frequency in large population cohorts (gnomAD); In silico analysis supports that this missense variant does not alter protein structure/function; Has not been previously published as pathogenic or benign to our knowledge